The following is an entry in ClinVar:

ClinVar aggregate classification (germline): Uncertain significance. Review status: criteria provided, single submitter (1 of 4 stars). 2 submissions from 2 submitters: Uncertain significance (1). 1 of the submissions does not count toward it. Last evaluated 2024-03-08.

Conditions:
Autosomal dominant ichthyosis vulgaris. Identifiers: MedGen C0432300, MONDO:0007810.
Inborn genetic diseases. Identifiers: MedGen C0950123, MeSH D030342.

Allele frequency attached by ClinVar (database versions not stated): gnomAD 0.00004 and 0.00005; ExAC 0.00007; gnomAD exomes 0.00008; ESP Exome Variant Server 0.00015.
gnomAD v4.1: 125 of 1,594,866 alleles (0.0078%); highest among the groups gnomAD compares: East Asian, 0.023%; 4 homozygotes.

Submissions (2):

Ambry Genetics
Classification: Uncertain significance for Inborn genetic diseases. Last evaluated: 2024-03-08. Review status: criteria provided, single submitter. Criteria: Ambry Variant Classification Scheme 2023. Collection method: clinical testing. Allele origin: germline.

Department of Pathology and Laboratory Medicine, Sinai Health System
Classification: Uncertain significance for Autosomal dominant ichthyosis vulgaris. Review status: no assertion criteria provided. Collection method: clinical testing. Allele origin: unknown. Affected: yes. Study: The Canadian Open Genetics Repository (COGR). Not counted in ClinVar's aggregate classification.
Comment: The FLG p.E3583K variant was not identified in the literature nor was it identified in ClinVar. The variant was identified in dbSNP (ID: rs144652887). The variant was identified in control databases in 19 of 277378 chromosomes (2 homozygous) at a frequency of 0.00006850, and was observed at the highest frequency in the African population in 5 of 23702 chromosomes (freq: 0.0002110) (Genome Aggregation Database March 6, 2019, v2.1.1). The p.E3583 residue is not conserved in mammals and computational analyses (MUT Assesor, SIFT, MutationTaster, Revel, FATHMM, MetaLR, DANN) do not suggest a high likelihood of impact to the protein; however, this information is not predictive enough to rule out pathogenicity. The variant occurs outside of the splicing consensus sequence and in silico or computational prediction software programs (Splice AI exome) do not predict a difference in splicing. In summary, based on the above information the clinical significance of this variant cannot be determined with certainty at this time. This variant is classified as a variant of uncertain significance.

NM_002016.2(FLG):c.10747G>A (p.Glu3583Lys)

Genes: CCDST (cervical cancer associated DHX9 suppressive transcript; plus strand), FLG (filaggrin; minus strand). Cytogenetic location: 1q21.3.
Variant type: single nucleotide variant.
Coding change: c.10747G>A on transcript NM_002016.2 (MANE Select); coding-DNA position 10747, G replaced by A.
Protein change: p.Glu3583Lys; replaces glutamic acid 3583 with lysine.
Molecular consequence: missense variant.
Genome position (GRCh38, 1-based): chr1:152,304,139, C>T on the plus strand (G>A on the coding strand, the complement: FLG is on the minus strand). VCF-style: chr1-152304139-C-T. GRCh37 (hg19) VCF-style: chr1-152276615-C-T.
Other names: c.10747G>A (NM_002016.1); short protein forms E3583K.
Identifiers: ClinVar variation 1049020 (VCV001049020.2), dbSNP rs144652887, ClinGen allele CA1103194.